The following is an entry in ClinVar:

NM_001009944.3(PKD1):c.1844C>T (p.Thr615Ile)

Gene: PKD1 (polycystin 1, transient receptor potential channel interacting; minus strand). Cytogenetic location: 16p13.3.
Variant type: single nucleotide variant.
Coding change: c.1844C>T on transcript NM_001009944.3 (MANE Select); coding-DNA position 1844, C replaced by T.
Protein change: p.Thr615Ile; replaces threonine 615 with isoleucine.
Molecular consequence: missense variant.
Genome position (GRCh38, 1-based): chr16:2,115,997, G>A on the plus strand (C>T on the coding strand, the complement: PKD1 is on the minus strand). VCF-style: chr16-2115997-G-A. GRCh37 (hg19) VCF-style: chr16-2165998-G-A.
Other names: c.1844C>T, p.Thr615Ile (NM_000296.4); c.1844C>T (NM_000296.3); short protein forms T615I.
Identifiers: ClinVar variation 1702573 (VCV001702573.3), dbSNP rs749734579, ClinGen allele CA7833394.

ClinVar aggregate classification (germline): Uncertain significance. Review status: criteria provided, multiple submitters, no conflicts (2 of 4 stars). 2 submissions from 2 submitters: Uncertain significance (2). Last evaluated 2023-12-30.

Conditions:
Inborn genetic diseases. Identifiers: MedGen C0950123, MeSH D030342.

Allele frequency attached by ClinVar (database versions not stated): gnomAD 0.00001; TOPMed 0.00001; gnomAD exomes 0.00002 and 0.00003; ExAC 0.00005.
gnomAD v4.1: 28 of 1,545,036 alleles (0.0018%); highest among the groups gnomAD compares: Admixed American, 0.0039%; no homozygotes.

Submissions (2):

Ambry Genetics
Classification: Uncertain significance for Inborn genetic diseases. Last evaluated: 2023-12-30. Review status: criteria provided, single submitter. Criteria: Ambry Variant Classification Scheme 2023. Collection method: clinical testing. Allele origin: germline.

GeneDx
Classification: Uncertain significance. Last evaluated: 2022-02-18. Review status: criteria provided, single submitter. Criteria: GeneDx Variant Classification Process June 2021. Collection method: clinical testing. Allele origin: germline. Affected: yes.
Comment: In silico analysis supports that this missense variant does not alter protein structure/function; Has not been previously published as pathogenic or benign to our knowledge